The following is an entry in ClinVar:

NM_000342.4(SLC4A1):c.2652G>T (p.Gln884His)

Gene: SLC4A1 (solute carrier family 4 member 1 (Diego blood group); minus strand). Cytogenetic location: 17q21.31.
Variant type: single nucleotide variant.
Coding change: c.2652G>T on transcript NM_000342.4 (MANE Select); coding-DNA position 2652, G replaced by T.
Protein change: p.Gln884His; replaces glutamine 884 with histidine.
Molecular consequence: missense variant.
Genome position (GRCh38, 1-based): chr17:44,251,162, C>A on the plus strand (G>T on the coding strand, the complement: SLC4A1 is on the minus strand). VCF-style: chr17-44251162-C-A. GRCh37 (hg19) VCF-style: chr17-42328530-C-A.
Other names: short protein forms Q884H.
Identifiers: ClinVar variation 3582091 (VCV003582091.3).
Genomic context (GRCh38, chr17:44,251,162, plus strand): 5'-AGACGCGCCCCTCGCATGCTCCCAGCTCTTGTGCCCCAGGCCCAGGCAGCCACTCACACA[C>A]TGAAGCTCCACGTTCCTGAAGATGAGCGGCAGCAGGACGCGCCGCAGCGGCACAGTGAGG-3'
Protein context (NP_000333.1, residues 874-894): LPLIFRNVEL[Gln884His]CLDADDAKAT

ClinVar aggregate classification (germline): Uncertain significance. Review status: criteria provided, multiple submitters, no conflicts (2 of 4 stars). 2 submissions from 2 submitters: Uncertain significance (2). Last evaluated 2025-06-12.

Conditions:
Hereditary spherocytosis type 4. Also called: SLC4A1-Related Spherocytosis. Identifiers: Orphanet 822, MedGen C2675212, MONDO:0012981, OMIM 612653.
BLOOD GROUP--SWANN SYSTEM (SW). Also called: SWANN BLOOD GROUP. Identifiers: MedGen C1832169, OMIM 601550.
BLOOD GROUP, WALDNER (WD). Also called: WALDNER BLOOD GROUP ANTIGEN. Identifiers: MedGen C1862191, OMIM 112010.
Southeast Asian ovalocytosis. Also called: Stomatocytic elliptocytosis, hereditary; Ovalocytosis, Malaysian-Melanesian-Filipino type; Elliptocytosis 4; HE, STOMATOCYTIC. Identifiers: Orphanet 98868, MedGen C1862322, MONDO:0008165, OMIM 166900.
Autosomal dominant distal renal tubular acidosis (DRTA1). Also called: RENAL TUBULAR ACIDOSIS, DISTAL, 1; RTA, CLASSIC TYPE; RTA, DISTAL TYPE, AUTOSOMAL DOMINANT; RTA, GRADIENT TYPE; Renal Tubular Acidosis, Type I. Identifiers: Orphanet 93608, MedGen CN280572, MONDO:0008368, OMIM 179800.
BLOOD GROUP--DIEGO SYSTEM (DI). Identifiers: MedGen C1292286, OMIM 110500.
BLOOD GROUP--WRIGHT ANTIGEN (WR). Identifiers: MedGen C1862190, OMIM 112050.
Malaria, susceptibility to. Identifiers: Orphanet 673, MedGen C1970028, MONDO:0021024, OMIM 611162.
Cryohydrocytosis. Also called: STOMATOCYTOSIS, COLD-SENSITIVE; CRYOHYDROCYTOSIS DUE TO BAND 3 HEMEL; CRYOHYDROCYTOSIS DUE TO BAND 3 HURSTPIERPOINT; CRYOHYDROCYTOSIS DUE TO BAND 3 BLACKBURN; Hereditary cryohydrocytosis with normal stomatin. Identifiers: Orphanet 398088, MedGen C1861453, MONDO:0008494, OMIM 185020.
Renal tubular acidosis, distal, 4, with hemolytic anemia. Also called: Renal Tubular Acidosis, Distal, with Hemolytic Anemia. Identifiers: Orphanet 93610, MedGen C5436235, MONDO:0012700, OMIM 611590.
BLOOD GROUP--FROESE (FR). Also called: FROESE BLOOD GROUP ANTIGEN. Identifiers: MedGen C1832168, OMIM 601551.

gnomAD v4.1: 6 of 1,599,124 alleles (0.00038%); highest among the groups gnomAD compares: African/African-American, 0.0067%; no homozygotes.

Submissions (2):

Labcorp Genetics (formerly Invitae), Labcorp
Classification: Uncertain significance. Last evaluated: 2025-06-12. Review status: criteria provided, single submitter. Criteria: Invitae Variant Classification Sherloc (09022015). Collection method: clinical testing. Allele origin: germline.
Comment: This sequence change replaces glutamine, which is neutral and polar, with histidine, which is basic and polar, at codon 884 of the SLC4A1 protein (p.Gln884His). This variant is not present in population databases (gnomAD no frequency). This variant has not been reported in the literature in individuals affected with SLC4A1-related conditions. ClinVar contains an entry for this variant (Variation ID: 3582091). Invitae Evidence Modeling of protein sequence and biophysical properties (such as structural, functional, and spatial information, amino acid conservation, physicochemical variation, residue mobility, and thermodynamic stability) indicates that this missense variant is not expected to disrupt SLC4A1 protein function with a negative predictive value of 80%. In summary, the available evidence is currently insufficient to determine the role of this variant in disease. Therefore, it has been classified as a Variant of Uncertain Significance.

Fulgent Genetics
Classification: Uncertain significance for BLOOD GROUP--DIEGO SYSTEM; BLOOD GROUP, WALDNER; BLOOD GROUP--WRIGHT ANTIGEN; Southeast Asian ovalocytosis; Autosomal dominant distal renal tubular acidosis; Cryohydrocytosis; BLOOD GROUP--SWANN SYSTEM; BLOOD GROUP--FROESE; Malaria, susceptibility to; Renal tubular acidosis, distal, 4, with hemolytic anemia; Hereditary spherocytosis type 4. Last evaluated: 2024-03-07. Review status: criteria provided, single submitter. Criteria: ACMG Guidelines, 2015. Collection method: clinical testing. Allele origin: germline.